The following is an entry in ClinVar:

ClinVar aggregate classification (germline): Likely benign. Review status: criteria provided, multiple submitters, no conflicts (2 of 4 stars). 3 submissions from 3 submitters: Likely benign (3). Last evaluated 2026-07-01.

Conditions:
Glycogen storage disease, type II (IOPD). Also called: CARDIOMEGALIA GLYCOGENICA DIFFUSA; GLYCOGENOSIS, GENERALIZED, CARDIAC FORM; GSD II; Glycogen storage disease type 2; Acid maltase deficiency disease; Aglucosidase alfa. Identifiers: Orphanet 365, MedGen C0017921, MONDO:0009290, OMIM 232300.

Allele frequency attached by ClinVar (database versions not stated): 1000 Genomes Project 0.00260; 1000 Genomes Project 30x 0.00265; ESP Exome Variant Server 0.00454.
gnomAD v4.1: 10,492 of 1,611,370 alleles (0.65%); highest among the groups gnomAD compares: South Asian, 0.83%; 58 homozygotes.

Submissions (3):

Genomenon, Inc
Classification: Likely benign for Glycogen storage disease, type II. Last evaluated: 2026-07-01. Review status: criteria provided, single submitter. Criteria: Genomenon Sequence Variant Interpretation Standards - Updated. Collection method: curation. Allele origin: germline. Affected: yes.
Comment: GAA c.2332-40C>G is an intronic variant located in intron 16. This variant has been observed in at least one proband with a GAA-related disorder (PMID:39273088). This variant is not predicted to impact splicing. This variant’s allele frequency in gnomAD is greater than expected for this disorder. In conclusion, we classify GAA c.2332-40C>G as a likely benign variant.

GeneDx
Classification: Likely benign. Last evaluated: 2019-11-27. Review status: criteria provided, single submitter. Criteria: GeneDx Variant Classification Process June 2021. Collection method: clinical testing. Allele origin: germline. Affected: yes.

Breakthrough Genomics
Classification: Likely benign. Review status: criteria provided, single submitter. Criteria: ACMG Guidelines, 2015. Collection method: not provided. Allele origin: germline. Inheritance: Autosomal recessive inheritance. Affected: yes.

Literature cited by the submitters: PubMed 39273088 (cited by Genomenon, Inc).

NM_000152.5(GAA):c.2332-40C>G

Gene: GAA (alpha glucosidase; plus strand). Cytogenetic location: 17q25.3.
Variant type: single nucleotide variant.
Coding change: c.2332-40C>G on transcript NM_000152.5 (MANE Select); 40 bases into the intron before coding-DNA position 2332, C replaced by G.
Molecular consequence: intron variant.
Genome position (GRCh38, 1-based): chr17:80,117,560, C>G. VCF-style: chr17-80117560-C-G. GRCh37 (hg19) VCF-style: chr17-78091359-C-G.
Other names: c.2332-40C>G (NM_001079803.3, NM_001079804.3).
Identifiers: ClinVar variation 1213528 (VCV001213528.5), dbSNP rs201904830, ClinGen allele CA8815704.